The following is an entry in ClinVar:

NM_001377137.1(GBF1):c.3830G>A (p.Gly1277Asp)

Gene: GBF1 (golgi brefeldin A resistant guanine nucleotide exchange factor 1; plus strand). Cytogenetic location: 10q24.32.
Variant type: single nucleotide variant.
Coding change: c.3830G>A on transcript NM_001377137.1 (MANE Select); coding-DNA position 3830, G replaced by A.
Protein change: p.Gly1277Asp; replaces glycine 1277 with aspartic acid.
Molecular consequence: missense variant. On other transcripts: non-coding transcript variant (5).
Genome position (GRCh38, 1-based): chr10:102,375,528, G>A. VCF-style: chr10-102375528-G-A. GRCh37 (hg19) VCF-style: chr10-104135285-G-A.
Other names: c.3830G>A, p.Gly1277Asp (NM_001199378.2, NM_001391923.1); c.3827G>A, p.Gly1276Asp (NM_001199379.2, NM_001377141.1, NM_001391924.1 and 3 more transcripts); c.3791G>A, p.Gly1264Asp (NM_001377138.1, NM_001391925.1); c.3533G>A, p.Gly1178Asp (NM_001377139.1, NM_001377140.1); c.3926G>A, p.Gly1309Asp (NM_001391922.1, NM_001411027.1); c.3794G>A, p.Gly1265Asp (NM_001391926.1); c.3686G>A, p.Gly1229Asp (NM_001391928.1); c.3590G>A, p.Gly1197Asp (NM_001391929.1); and 2 more; short protein forms G1150D, G1178D, G1197D, G1229D, G1264D, G1265D, G1276D, G1277D.
Identifiers: ClinVar variation 5040176 (VCV005040176.1).
Genomic context (GRCh38, chr10:102,375,528, plus strand): 5'-ACATCCACTCAGGTGATGACTGGGCCACACTCTTCACACTGCTGGAGTGCATCGGCTCAG[G>A]TGTGAAGCCTCCAGCTGCTCTGCAGGCCACAGCCAGGGCAGATGCACCTGATGCCGGTAA-3'
Protein context (NP_001364066.1, residues 1267-1287): LFTLLECIGS[Gly1277Asp]VKPPAALQAT

ClinVar aggregate classification (germline): Uncertain significance (1 of 4 stars; one submission).

gnomAD v4.1: 1 of 1,614,110 alleles (0.000062%); highest among the groups gnomAD compares: Non-Finnish European, 0.000085%; no homozygotes.

Submission:

CeGaT Center for Human Genetics Tuebingen
Classification: Uncertain significance. Last evaluated: 2026-07-01. Review status: criteria provided, single submitter. Criteria: CeGaT Center For Human Genetics Tuebingen Variant Classification Criteria Version 2. Collection method: clinical testing. Allele origin: germline. Affected: yes. Observed: 1 variant allele.
Comment: GBF1: PM2